The following is an entry in ClinVar:

ClinVar aggregate classification (germline): Likely pathogenic (1 of 4 stars; one submission).

Conditions:
COL1A1-related disorder. Also called: COL1A1- related disease; COL1A1-related condition.

Submission:

PreventionGenetics, part of Exact Sciences
Classification: Likely pathogenic for COL1A1-related condition. Last evaluated: 2025-01-23. Review status: criteria provided, single submitter. Criteria: ACMG Guidelines, 2015. Collection method: clinical testing. Allele origin: germline.
Comment: The COL1A1 c.563G>T variant is predicted to result in the amino acid substitution p.Gly188Val. To our knowledge, this variant has not been reported in the literature or in a large population database (gnomAD), indicating this variant is rare. This variant is located in the conserved Gly-Xaa-Yaa triple helical domain where substitutions of a glycine residue are usually pathogenic (residues 179-1192; legacy nomenclature in Marini et al. 2007. PubMed ID: 17078022 indicates amino acids 1-1012; Symoens et al. 2014. PubMed ID: 25146735). In summary, the c.563G>T (p.Gly188Val) variant is interpreted as likely pathogenic.

NM_000088.4(COL1A1):c.563G>T (p.Gly188Val)

Gene: COL1A1 (collagen type I alpha 1 chain; minus strand). Cytogenetic location: 17q21.33.
Variant type: single nucleotide variant.
Coding change: c.563G>T on transcript NM_000088.4 (MANE Select); coding-DNA position 563, G replaced by T.
Protein change: p.Gly188Val; replaces glycine 188 with valine.
Molecular consequence: missense variant.
Genome position (GRCh38, 1-based): chr17:50,198,186, C>A on the plus strand (G>T on the coding strand, the complement: COL1A1 is on the minus strand). VCF-style: chr17-50198186-C-A. GRCh37 (hg19) VCF-style: chr17-48275547-C-A.
Other names: short protein forms G188V.
Identifiers: ClinVar variation 5001508 (VCV005001508.1).